The following is an entry in ClinVar:

ClinVar aggregate classification (germline): Uncertain significance. Review status: criteria provided, multiple submitters, no conflicts (2 of 4 stars). 2 submissions from 2 submitters: Uncertain significance (2). Last evaluated 2025-03-01.

gnomAD v4.1: 33 of 1,613,732 alleles (0.002%); highest among the groups gnomAD compares: South Asian, 0.0055%; no homozygotes.

Submissions (2):

CeGaT Center for Human Genetics Tuebingen
Classification: Uncertain significance. Last evaluated: 2025-03-01. Review status: criteria provided, single submitter. Criteria: CeGaT Center For Human Genetics Tuebingen Variant Classification Criteria Version 2. Collection method: clinical testing. Allele origin: germline. Affected: yes. Observed: 1 variant allele.
Comment: GBA1: PM2, PM5, BP4

Women's Health and Genetics/Laboratory Corporation of America, LabCorp
Classification: Uncertain significance. Last evaluated: 2024-08-19. Review status: criteria provided, single submitter. Criteria: LabCorp Variant Classification Summary - May 2015. Collection method: clinical testing. Allele origin: germline.
Comment: Variant summary: GBA1 c.1453G>A (p.Ala485Thr) results in a non-conservative amino acid change located in the Glycosyl hydrolase family 30, beta sandwich domain (IPR033452) of the encoded protein sequence. Four of five in-silico tools predict a benign effect of the variant on protein function. The variant allele was found at a frequency of 2e-05 in 1613732 control chromosomes. This frequency is not significantly higher than estimated for a pathogenic variant in GBA1 causing Gaucher Disease (2e-05 vs 0.005), allowing no conclusion about variant significance. To our knowledge, no occurrence of c.1453G>A in individuals affected with Gaucher Disease and no experimental evidence demonstrating its impact on protein function have been reported. No submitters have cited clinical-significance assessments for this variant to ClinVar. Based on the evidence outlined above, the variant was classified as uncertain significance.

NM_000157.4(GBA1):c.1453G>A (p.Ala485Thr)

Genes: GBA1 (glucosylceramidase beta 1; minus strand), LOC106627981 (GBA recombination region; plus strand). Cytogenetic location: 1q22.
Variant type: single nucleotide variant.
Coding change: c.1453G>A on transcript NM_000157.4 (MANE Select); coding-DNA position 1453, G replaced by A.
Protein change: p.Ala485Thr; replaces alanine 485 with threonine.
Molecular consequence: missense variant.
Genome position (GRCh38, 1-based): chr1:155,235,247, C>T on the plus strand (G>A on the coding strand, the complement: GBA1 is on the minus strand). VCF-style: chr1-155235247-C-T. GRCh37 (hg19) VCF-style: chr1-155205038-C-T.
Other names: c.1453G>A, p.Ala485Thr (NM_001005742.3, NM_001005741.3); c.1192G>A, p.Ala398Thr (NM_001171811.2); c.1306G>A, p.Ala436Thr (NM_001171812.2); short protein forms A398T, A436T, A485T.
Identifiers: ClinVar variation 3366718 (VCV003366718.8).